The following is an entry in ClinVar:

NM_144499.3(GNAT1):c.578G>A (p.Arg193Gln)

Gene: GNAT1 (G protein subunit alpha transducin 1; plus strand). Cytogenetic location: 3p21.31.
Variant type: single nucleotide variant.
Coding change: c.578G>A on transcript NM_144499.3 (MANE Select); coding-DNA position 578, G replaced by A.
Protein change: p.Arg193Gln; replaces arginine 193 with glutamine.
Molecular consequence: missense variant.
Genome position (GRCh38, 1-based): chr3:50,193,881, G>A. VCF-style: chr3-50193881-G-A. GRCh37 (hg19) VCF-style: chr3-50231314-G-A.
Other names: c.578G>A, p.Arg193Gln (NM_000172.4); short protein forms R193Q.
Identifiers: ClinVar variation 1908389 (VCV001908389.5), dbSNP rs755156826, ClinGen allele CA74601491.
Genomic context (GRCh38, chr3:50,193,881, plus strand): 5'-CGCGAGTCAAGACCACTGGCATCATCGAGACGCAGTTCTCCTTCAAGGATCTCAACTTCC[G>A]GTACGACCCATACGCTAGCCCAGGAGGTCACTGCCCCAGGCCCCGTCCTGCCCCGGGGAC-3'
Protein context (NP_653082.1, residues 183-203): TQFSFKDLNF[Arg193Gln]MFDVGGQRSE

ClinVar aggregate classification (germline): Uncertain significance (1 of 4 stars; one submission).

Allele frequency attached by ClinVar (database versions not stated): gnomAD 0.00003; TOPMed 0.00005.

Submission:

Labcorp Genetics (formerly Invitae), Labcorp
Classification: Uncertain significance. Last evaluated: 2024-10-22. Review status: criteria provided, single submitter. Criteria: Invitae Variant Classification Sherloc (09022015). Collection method: clinical testing. Allele origin: germline.
Comment: This sequence change replaces arginine, which is basic and polar, with glutamine, which is neutral and polar, at codon 193 of the GNAT1 protein (p.Arg193Gln). This variant also falls at the last nucleotide of exon 5, which is part of the consensus splice site for this exon. This variant is present in population databases (no rsID available, gnomAD 0.007%). This variant has not been reported in the literature in individuals affected with GNAT1-related conditions. ClinVar contains an entry for this variant (Variation ID: 1908389). An algorithm developed to predict the effect of missense changes on protein structure and function (PolyPhen-2) suggests that this variant is likely to be disruptive. Variants that disrupt the consensus splice site are a relatively common cause of aberrant splicing (PMID: 17576681, 9536098). Algorithms developed to predict the effect of sequence changes on RNA splicing suggest that this variant may disrupt the consensus splice site. In summary, the available evidence is currently insufficient to determine the role of this variant in disease. Therefore, it has been classified as a Variant of Uncertain Significance.

Literature cited by the submitters: PubMed 17576681; PubMed 9536098.